The following is an entry in ClinVar:

NM_006390.4(IPO8):c.2630C>A (p.Ala877Asp)

Gene: IPO8 (importin 8; minus strand). Cytogenetic location: 12p11.21.
Variant type: single nucleotide variant.
Coding change: c.2630C>A on transcript NM_006390.4 (MANE Select); coding-DNA position 2630, C replaced by A.
Protein change: p.Ala877Asp; replaces alanine 877 with aspartic acid.
Molecular consequence: missense variant.
Genome position (GRCh38, 1-based): chr12:30,637,047, G>T on the plus strand (C>A on the coding strand, the complement: IPO8 is on the minus strand). VCF-style: chr12-30637047-G-T. GRCh37 (hg19) VCF-style: chr12-30789981-G-T.
Other names: c.2015C>A, p.Ala672Asp (NM_001190995.2); short protein forms A877D, A672D.
Identifiers: ClinVar variation 2561661 (VCV002561661.24), dbSNP rs138574583, ClinGen allele CA6498609.
Genomic context (GRCh38, chr12:30,637,047, plus strand): 5'-TCTTCCATATCAGCTTTCTCTGCTTTTGAACGATCTTCCCGGTTTACCAGTTGTCTAGTA[G>T]CACAGACCTGCTTTAGGCCAAGGAAAAGGAAAAGAATTGAGGGAACAATCTGTCCCACCA-3'
Protein context (NP_006381.2, residues 867-887): FLFLGLKQVC[Ala877Asp]TRQLVNREDR

ClinVar aggregate classification (germline): Uncertain significance. Review status: criteria provided, multiple submitters, no conflicts (2 of 4 stars). 2 submissions from 2 submitters: Uncertain significance (2). Last evaluated 2025-09-01.

Conditions:
Inborn genetic diseases. Identifiers: MedGen C0950123, MeSH D030342.

Allele frequency attached by ClinVar (database versions not stated): ExAC 0.00024; TOPMed 0.00015; gnomAD exomes 0.00020; gnomAD 0.00022; ESP Exome Variant Server 0.00023.
gnomAD v4.1: 326 of 1,613,846 alleles (0.02%); highest among the groups gnomAD compares: Non-Finnish European, 0.026%; no homozygotes.

Submissions (2):

Ambry Genetics
Classification: Uncertain significance for Inborn genetic diseases. Last evaluated: 2025-09-01. Review status: criteria provided, single submitter. Criteria: Ambry Variant Classification Scheme 2023. Collection method: clinical testing. Allele origin: germline.

CeGaT Center for Human Genetics Tuebingen
Classification: Uncertain significance. Last evaluated: 2024-03-01. Review status: criteria provided, single submitter. Criteria: CeGaT Center For Human Genetics Tuebingen Variant Classification Criteria Version 2. Collection method: clinical testing. Allele origin: germline. Affected: yes. Observed: 2 variant alleles.
Comment: IPO8: PM2